The following is an entry in ClinVar:

ClinVar aggregate classification (germline): Benign (1 of 4 stars; one submission).

Conditions:
Hermansky-Pudlak syndrome 5 (HPS5). Identifiers: Orphanet 231512, Orphanet 79430, MedGen C3888004, MONDO:0013557, OMIM 614074.

Allele frequency attached by ClinVar (database versions not stated): gnomAD 0.00760 and 0.00728; 1000 Genomes Project 30x 0.00828; TOPMed 0.00150; gnomAD exomes 0.00575; 1000 Genomes Project 0.00938.
gnomAD v4.1: 1,140 of 152,500 alleles (0.75%); highest among the groups gnomAD compares: East Asian, 3.5%; 37 homozygotes.

Submission:

Illumina Laboratory Services, Illumina
Classification: Benign for Hermansky-Pudlak syndrome 5. Last evaluated: 2018-01-13. Review status: criteria provided, single submitter. Criteria: ICSL Variant Classification Criteria 13 December 2019. Collection method: clinical testing. Allele origin: germline.
Comment: This variant was observed in the ICSL laboratory as part of a predisposition screen in an ostensibly healthy population. It had not been previously curated by ICSL or reported in the Human Gene Mutation Database (HGMD: prior to June 1st, 2018), and was therefore a candidate for classification through an automated scoring system. Utilizing variant allele frequency, disease prevalence and penetrance estimates, and inheritance mode, an automated score was calculated to assess if this variant is too frequent to cause the disease. Based on the score and internal cut-off values, a variant classified as benign is not then subjected to further curation. The score for this variant resulted in a classification of benign for this disease.

NM_181507.1(HPS5):c.-250G>T

Genes: HPS5 (HPS5 biogenesis of lysosomal organelles complex 2 subunit 2; minus strand), LOC126861152 (BRD4-independent group 4 enhancer GRCh37_chr11:18343272-18344471; plus strand). Cytogenetic location: 11p15.1.
Variant type: single nucleotide variant.
Coding change: c.-250G>T on transcript NM_181507.1; 250 bases upstream of the start codon, G replaced by T.
Genome position (GRCh38, 1-based): chr11:18,322,146, C>A on the plus strand (G>T on the coding strand, the complement: HPS5 is on the minus strand). VCF-style: chr11-18322146-C-A. GRCh37 (hg19) VCF-style: chr11-18343693-C-A.
Identifiers: ClinVar variation 303905 (VCV000303905.7), dbSNP rs4150529, ClinGen allele CA10634292.